The following is an entry in ClinVar:

ClinVar aggregate classification (germline): Uncertain significance. Review status: criteria provided, multiple submitters, no conflicts (2 of 4 stars). 2 submissions from 2 submitters: Uncertain significance (2). Last evaluated 2025-11-23.

Conditions:
Autosomal dominant keratitis. Also called: Keratitis, hereditary. Identifiers: Orphanet 2334, MedGen C1835698, MONDO:0007848, OMIM 148190.
Isolated optic nerve hypoplasia. Also called: Bilateral optic nerve hypoplasia. Identifiers: Orphanet 637061, MedGen C1833797, MONDO:0008136, OMIM 165550.
11p partial monosomy syndrome (WAGR). Also called: WAGR Complex; WAGR Spectrum Disorder; CHROMOSOME 11p13 DELETION SYNDROME; WAGR syndrome. Identifiers: Orphanet 893, MedGen C0206115, MONDO:0008681, OMIM 194072.
Coloboma, ocular, autosomal dominant (MCOPCB12). Also called: Microphthalmia/coloboma 12. Identifiers: MedGen C5886785, MONDO:0007350, OMIM 120200.
Foveal hypoplasia 1. Also called: FOVEAL HYPOPLASIA 1 WITH OR WITHOUT ANTERIOR SEGMENT ANOMALIES AND/OR CATARACT; FOVEAL HYPOPLASIA 1 WITH ANTERIOR SEGMENT ANOMALIES. Identifiers: Orphanet 2253, MedGen C3805604, MONDO:0007628, OMIM 136520.
Aniridia 1 (AN1). Identifiers: Orphanet 250923, MedGen C0344542, MONDO:0024507, OMIM 106210.
Coloboma of optic nerve. Also called: Coloboma of optic nerve (disease); OPTIC NERVE HEAD PITS, BILATERAL CONGENITAL; Congenital coloboma of the optic nerve. Identifiers: Orphanet 35737, Orphanet 98947, MedGen C0155299, MONDO:0007354, OMIM 120430, HP:0000588.
Irido-corneo-trabecular dysgenesis (ASGD5). Also called: ANTERIOR SEGMENT DYSGENESIS 5. Identifiers: Orphanet 708, MedGen C0344559, MONDO:0011414, OMIM 604229, HP:0000659.

Submissions (2):

Labcorp Genetics (formerly Invitae), Labcorp
Classification: Uncertain significance for Aniridia 1; Irido-corneo-trabecular dysgenesis. Last evaluated: 2025-11-23. Review status: criteria provided, single submitter. Criteria: Invitae Variant Classification Sherloc (09022015). Collection method: clinical testing. Allele origin: germline.
Comment: This variant, c.514_522del, results in the deletion of 3 amino acid(s) of the PAX6 protein (p.Pro172_Gln174del), but otherwise preserves the integrity of the reading frame. This variant is present in population databases (rs747077748, gnomAD 0.06%). This variant has not been reported in the literature in individuals affected with PAX6-related conditions. ClinVar contains an entry for this variant (Variation ID: 1385887). Algorithms developed to predict the effect of sequence changes on RNA splicing suggest that this variant may create or strengthen a splice site. In summary, the available evidence is currently insufficient to determine the role of this variant in disease. Therefore, it has been classified as a Variant of Uncertain Significance.

Fulgent Genetics
Classification: Uncertain significance for Aniridia 1; Coloboma, ocular, autosomal dominant; Coloboma of optic nerve; Foveal hypoplasia 1; Autosomal dominant keratitis; Isolated optic nerve hypoplasia; 11p partial monosomy syndrome; Irido-corneo-trabecular dysgenesis. Last evaluated: 2022-01-13. Review status: criteria provided, single submitter. Criteria: ACMG Guidelines, 2015. Collection method: clinical testing. Allele origin: unknown.

NM_001368894.2(PAX6):c.556_564del (p.Pro186_Gln188del)

Gene: PAX6 (paired box 6; minus strand). Cytogenetic location: 11p13.
Variant type: Deletion.
Coding change: c.556_564del on transcript NM_001368894.2 (MANE Select); coding-DNA positions 556 to 564, 9 bases deleted (CCTACGCAA; older notation c.556_564delCCTACGCAA).
Protein change: p.Pro186_Gln188del.
Molecular consequence: inframe deletion. On other transcripts: non-coding transcript variant (2).
Genome position (GRCh38, 1-based): chr11:31,800,692-31,800,700, TTGCGTAGG deleted on the plus strand (CCTACGCAA on the coding strand, the reverse complement: PAX6 is on the minus strand); deleting any 9 consecutive bases within chr11:31,800,692-31,800,704 gives the same sequence; the c. name uses the placement nearest the transcript's 3' end. VCF-style (leftmost placement, unchanged base first): chr11-31800691-CTTGCGTAGG-C. GRCh37 (hg19) VCF-style: chr11-31822239-CTTGCGTAGG-C.
Other names: c.514_522del, p.Pro172_Gln174del (NM_000280.6, NM_001127612.3, NM_001258464.2 and 10 more transcripts); c.556_564del, p.Pro186_Gln188del (NM_001258462.3, NM_001258463.2, NM_001310158.2 and 6 more transcripts); c.106_114del, p.Pro36_Gln38del (NM_001310160.2, NM_001310161.3, NM_001368899.2 and 11 more transcripts); c.757_765del, p.Pro253_Gln255del (NM_001368910.2); c.559_567del, p.Pro187_Gln189del (NM_001368911.2); c.631_639del, p.Pro211_Gln213del (NM_001368918.2, NM_001368919.2); c.589_597del, p.Pro197_Gln199del (NM_001368920.2); c.355_363del, p.Pro119_Gln121del (NM_001368921.2, NM_001368922.2, NM_001368923.2 and 4 more transcripts); and 1 more.
Identifiers: ClinVar variation 1385887 (VCV001385887.8), dbSNP rs747077748, ClinGen allele CA5933863.